The following is an entry in ClinVar:

ClinVar aggregate classification (germline): Likely benign (0 of 4 stars; one submission).

Conditions:
PAK1-related disorder. Also called: PAK1-related condition.

Allele frequency attached by ClinVar (database versions not stated): ExAC 0.00043; gnomAD 0.00052; TOPMed 0.00061; ESP Exome Variant Server 0.00100; gnomAD exomes 0.00114.
gnomAD v4.1: 1,784 of 1,613,682 alleles (0.11%); highest among the groups gnomAD compares: Non-Finnish European, 0.14%; no homozygotes.

Submission:

PreventionGenetics, part of Exact Sciences
Classification: Likely benign for PAK1-related condition. Last evaluated: 2019-06-11. Review status: no assertion criteria provided. Collection method: clinical testing. Allele origin: germline.
Comment: This variant is classified as likely benign based on ACMG/AMP sequence variant interpretation guidelines (Richards et al. 2015 PMID: 25741868, with internal and published modifications).

NM_002576.5(PAK1):c.1536T>C (p.Ala512=)

Gene: PAK1 (p21 (RAC1) activated kinase 1; minus strand). Cytogenetic location: 11q13.5.
Variant type: single nucleotide variant.
Coding change: c.1536T>C on transcript NM_002576.5 (MANE Select); coding-DNA position 1536, T replaced by C.
Protein change: p.Ala512=; no amino-acid change (alanine 512 retained).
Molecular consequence: synonymous variant. On other transcripts: non-coding transcript variant (1), intron variant (4).
Genome position (GRCh38, 1-based): chr11:77,332,745, A>G on the plus strand (T>C on the coding strand, the complement: PAK1 is on the minus strand). VCF-style: chr11-77332745-A-G. GRCh37 (hg19) VCF-style: chr11-77043790-A-G.
Other names: c.1536T>C, p.Ala512= (NM_001128620.2, NM_001376268.1, NM_001376269.1 and 18 more transcripts); c.1557T>C, p.Ala519= (NM_001376272.1); c.1413T>C, p.Ala471= (NM_001376290.1, NM_001376291.1); c.1359T>C, p.Ala453= (NM_001376295.1); c.1287T>C, p.Ala429= (NM_001376301.1); c.1242T>C, p.Ala414= (NM_001376302.1, NM_001376304.1, NM_001376305.1); c.1248T>C, p.Ala416= (NM_001376303.1); c.1413+3341T>C (NM_001376293.1, NM_001376292.1, NM_001376289.1); and 1 more.
Identifiers: ClinVar variation 3034477 (VCV003034477.2), dbSNP rs142600861, ClinGen allele CA6199865.
Genomic context (GRCh38, chr11:77,332,745, plus strand): 5'-TAGTGATTCCCTGAATTAGGTGCTTCCCTGCATAAGGACAGTTACCTGTAGCAGCTCTTT[A>G]GCTGAACCTCTCTTCTCCACATCCATCTCGAGACAGCGGTTCAGAAAGTCCCGGAAGATA-3'
Protein context (NP_002567.3, residues 502-522): LEMDVEKRGS[Ala512=]KELLQHQFLK